The following is an entry in ClinVar:

NM_201384.3(PLEC):c.9658C>T (p.Arg3220Trp)

Gene: PLEC (plectin; minus strand). Cytogenetic location: 8q24.3.
Variant type: single nucleotide variant.
Coding change: c.9658C>T on transcript NM_201384.3 (MANE Select); coding-DNA position 9658, C replaced by T.
Protein change: p.Arg3220Trp; replaces arginine 3220 with tryptophan.
Molecular consequence: missense variant.
Genome position (GRCh38, 1-based): chr8:143,920,163, G>A on the plus strand (C>T on the coding strand, the complement: PLEC is on the minus strand). VCF-style: chr8-143920163-G-A. GRCh37 (hg19) VCF-style: chr8-144994331-G-A.
Other names: c.9739C>T (NM_000445.3); c.9739C>T, p.Arg3247Trp (NM_000445.5); c.9616C>T, p.Arg3206Trp (NM_201378.4); c.9592C>T, p.Arg3198Trp (NM_201379.3); c.10069C>T, p.Arg3357Trp (NM_201380.4); c.9562C>T, p.Arg3188Trp (NM_201381.3); c.9658C>T, p.Arg3220Trp (NM_201382.4); c.9670C>T, p.Arg3224Trp (NM_201383.3); short protein forms R3247W, R3224W, R3188W, R3220W, R3198W, R3206W, R3357W.
Identifiers: ClinVar variation 471676 (VCV000471676.26), dbSNP rs200643300, ClinGen allele CA4924896.

ClinVar aggregate classification (germline): Uncertain significance. Review status: criteria provided, multiple submitters, no conflicts (2 of 4 stars). 6 submissions from 6 submitters: Uncertain significance (6). Last evaluated 2026-03-04.

Conditions:
PLEC-related disorder. Also called: PLEC-related disorders; PLEC-related condition.
Autosomal recessive limb-girdle muscular dystrophy type 2Q (LGMDR17). Also called: MUSCULAR DYSTROPHY, LIMB-GIRDLE, AUTOSOMAL RECESSIVE 17. Identifiers: Orphanet 254361, MedGen C3150989, MONDO:0013390, OMIM 613723.
Epidermolysis bullosa simplex with nail dystrophy (EBS5D). Identifiers: MedGen C4225309, MONDO:0014661, OMIM 616487.
Epidermolysis bullosa simplex 5C, with pyloric atresia (EBS5C). Also called: PLEC-Related Epidermolysis Bullosa with Pyloric Atresia; Epidermolysis bullosa simplex with pyloric atresia; PLEC1-Related Epidermolysis Bullosa with Pyloric Atresia. Identifiers: Orphanet 158684, MedGen C2677349, MONDO:0012807, OMIM 612138.
Epidermolysis bullosa simplex, Ogna type (EBS5A). Also called: Pidermolysis bullosa simplex 5A, Ogna type; EPIDERMOLYSIS BULLOSA SIMPLEX 5A, OGNA TYPE. Identifiers: Orphanet 79401, MedGen C0432317, MONDO:0007555, OMIM 131950.
Epidermolysis bullosa simplex 5B, with muscular dystrophy (EBS5B). Also called: EPIDERMOLYSIS BULLOSA SIMPLEX AND LIMB-GIRDLE MUSCULAR DYSTROPHY; Epidermolysis bullosa simplex with muscular dystrophy. Identifiers: Orphanet 257, MedGen C2931072, MONDO:0009181, OMIM 226670.

Allele frequency attached by ClinVar (database versions not stated): ExAC 0.00012; gnomAD exomes 0.00015 and 0.00019; 1000 Genomes Project 0.00020; gnomAD 0.00021 and 0.00024; 1000 Genomes Project 30x 0.00031; TOPMed 0.00034; ESP Exome Variant Server 0.00042.
gnomAD v4.1: 306 of 1,612,380 alleles (0.019%); highest among the groups gnomAD compares: African/African-American, 0.044%; no homozygotes.

Submissions (6):

PreventionGenetics, part of Exact Sciences
Classification: Uncertain significance for PLEC-related condition. Last evaluated: 2026-03-04. Review status: criteria provided, single submitter. Criteria: ACMG Guidelines, 2015. Collection method: clinical testing. Allele origin: germline.
Comment: The PLEC c.9739C>T variant is predicted to result in the amino acid substitution p.Arg3247Trp. This variant, along with missense variants in other genes, has been reported in a pediatric patient with left ventricular noncompaction and was found to be inherited from a parent without arrhythmia (Collyer et al. 2021. PubMed ID: 34752814). This variant is reported in 0.039% of alleles in individuals of African descent in gnomAD. At this time, the clinical significance of this variant is uncertain due to the absence of conclusive functional and genetic evidence.

Labcorp Genetics (formerly Invitae), Labcorp
Classification: Uncertain significance for Autosomal recessive limb-girdle muscular dystrophy type 2Q; Epidermolysis bullosa simplex, Ogna type; Epidermolysis bullosa simplex with nail dystrophy; Epidermolysis bullosa simplex 5C, with pyloric atresia; Epidermolysis bullosa simplex 5B, with muscular dystrophy. Last evaluated: 2026-01-26. Review status: criteria provided, single submitter. Criteria: Invitae Variant Classification Sherloc (09022015). Collection method: clinical testing. Allele origin: germline.
Comment: This sequence change replaces arginine, which is basic and polar, with tryptophan, which is neutral and slightly polar, at codon 3247 of the PLEC protein (p.Arg3247Trp). This variant is present in population databases (rs200643300, gnomAD 0.04%). This variant has not been reported in the literature in individuals affected with PLEC-related conditions. ClinVar contains an entry for this variant (Variation ID: 471676). An algorithm developed to predict the effect of missense changes on protein structure and function (PolyPhen-2) suggests that this variant is likely to be disruptive. In summary, the available evidence is currently insufficient to determine the role of this variant in disease. Therefore, it has been classified as a Variant of Uncertain Significance.

GeneDx
Classification: Uncertain significance. Last evaluated: 2024-07-11. Review status: criteria provided, single submitter. Criteria: GeneDx Variant Classification Process June 2021. Collection method: clinical testing. Allele origin: germline. Affected: yes.
Comment: Reported in a patient with pediatric left ventricular noncompaction (LVNC), but the variant did not segregate with disease in the family (PMID: 34752814); Missense variant in a gene in which most reported pathogenic variants are truncating/loss of function; In silico analysis supports that this missense variant has a deleterious effect on protein structure/function; This variant is associated with the following publications: (PMID: 34752814)

Revvity Omics, Revvity
Classification: Uncertain significance. Last evaluated: 2019-01-09. Review status: criteria provided, single submitter. Criteria: ACMG Guidelines, 2015. Collection method: clinical testing. Allele origin: germline.

Eurofins Ntd Llc (ga)
Classification: Uncertain significance. Last evaluated: 2017-11-13. Review status: criteria provided, single submitter. Criteria: EGL Classification Definitions 2015. Collection method: clinical testing. Allele origin: germline. Observed: 4 variant alleles, 4 heterozygotes.

Breakthrough Genomics
Classification: Uncertain significance. Review status: criteria provided, single submitter. Criteria: ACMG Guidelines, 2015. Collection method: not provided. Allele origin: germline. Inheritance: Autosomal recessive inheritance. Affected: yes.